The following is an entry in ClinVar:

NM_006231.4(POLE):c.1015G>T (p.Asp339Tyr)

Gene: POLE (DNA polymerase epsilon, catalytic subunit; minus strand). Cytogenetic location: 12q24.33.
Variant type: single nucleotide variant.
Coding change: c.1015G>T on transcript NM_006231.4 (MANE Select); coding-DNA position 1015, G replaced by T.
Protein change: p.Asp339Tyr; replaces aspartic acid 339 with tyrosine.
Molecular consequence: missense variant.
Genome position (GRCh38, 1-based): chr12:132,676,099, C>A on the plus strand (G>T on the coding strand, the complement: POLE is on the minus strand). VCF-style: chr12-132676099-C-A. GRCh37 (hg19) VCF-style: chr12-133252685-C-A.
Other names: c.1015G>T (NM_006231.2); short protein forms D339Y.
Identifiers: ClinVar variation 947444 (VCV000947444.10), dbSNP rs149029910, ClinGen allele CA387363389.

ClinVar aggregate classification (germline): Uncertain significance. Review status: criteria provided, multiple submitters, no conflicts (2 of 4 stars). 2 submissions from 2 submitters: Uncertain significance (2). Last evaluated 2024-12-28.

Conditions:
Hereditary cancer-predisposing syndrome. Also called: Hereditary neoplastic syndrome; Neoplastic Syndromes, Hereditary; Tumor predisposition; Hereditary Cancer Syndrome. Identifiers: Orphanet 140162, MedGen C0027672, MeSH D009386, MONDO:0015356.

Submissions (2):

Ambry Genetics
Classification: Uncertain significance for Hereditary cancer-predisposing syndrome. Last evaluated: 2024-12-28. Review status: criteria provided, single submitter. Criteria: Ambry Variant Classification Scheme 2023. Collection method: clinical testing. Allele origin: germline.
Comment: The p.D339Y variant (also known as c.1015G>T), located in coding exon 10 of the POLE gene, results from a G to T substitution at nucleotide position 1015. The aspartic acid at codon 339 is replaced by tyrosine, an amino acid with highly dissimilar properties. This amino acid position is highly conserved in available vertebrate species. In addition, the in silico prediction for this alteration is inconclusive. Based on the available evidence, the clinical significance of this variant remains unclear.

Labcorp Genetics (formerly Invitae), Labcorp
Classification: Uncertain significance. Last evaluated: 2023-08-14. Review status: criteria provided, single submitter. Criteria: Invitae Variant Classification Sherloc (09022015). Collection method: clinical testing. Allele origin: germline.
Comment: This variant has not been reported in the literature in individuals affected with POLE-related conditions. In summary, the available evidence is currently insufficient to determine the role of this variant in disease. Therefore, it has been classified as a Variant of Uncertain Significance. Advanced modeling of protein sequence and biophysical properties (such as structural, functional, and spatial information, amino acid conservation, physicochemical variation, residue mobility, and thermodynamic stability) performed at Invitae indicates that this missense variant is expected to disrupt POLE protein function. ClinVar contains an entry for this variant (Variation ID: 947444). This variant is not present in population databases (gnomAD no frequency). This sequence change replaces aspartic acid, which is acidic and polar, with tyrosine, which is neutral and polar, at codon 339 of the POLE protein (p.Asp339Tyr).